The following is an entry in ClinVar:

NM_177924.5(ASAH1):c.409_410insTTTTTTTTTTTTTTTTTTTTNNNNNNNNNNCGTGTACTCGTGATCCTCCCGCCTCTGCCTCCCAAAGTGCTGGGATTACAGGCGTGAGCCACCGCGCCCGGCCTCATTCAATATTTTTT (p.Tyr137fs)

Gene: ASAH1 (N-acylsphingosine amidohydrolase 1; minus strand). Cytogenetic location: 8p22.
Variant type: Microsatellite.
Coding change: c.409_410insTTTTTTTTTTTTTTTTTTTTNNNNNNNNNNCGTGTACTCGTGATCCTCCCGCCTCTGCCTCCCAAAGTGCTGGGATTACAGGCGTGAGCCACCGCGCCCGGCCTCATTCAATATTTTTT on transcript NM_177924.5 (MANE Select); coding-DNA positions 409 to 410, TTTTTTTTTTTTTTTTTTTTNNNNNNNNNNCGTGTACTCGTGATCCTCCCGCCTCTGCCTCCCAAAGTGCTGGGATTACAGGCGTGAGCCACCGCGCCCGGCCTCATTCAATATTTTTT inserted.
Protein change: p.Tyr137fs; shifts the reading frame from tyrosine 137.
Molecular consequence: frameshift variant.
Genome position: GRCh38: chr8:18,064,505-18,064,520. GRCh37 (hg19): chr8:17,922,014-17,922,029.
Other names: c.391_392insTTTTTTTTTTTTTTTTTTTTNNNNNNNNNNCGTGTACTCGTGATCCTCCCGCCTCTGCCTCCCAAAGTGCTGGGATTACAGGCGTGAGCCACCGCGCCCGGCCTCATTCAATATTTTTT, p.Tyr131fs (NM_001127505.3); c.214_215insTTTTTTTTTTTTTTTTTTTTNNNNNNNNNNCGTGTACTCGTGATCCTCCCGCCTCTGCCTCCCAAAGTGCTGGGATTACAGGCGTGAGCCACCGCGCCCGGCCTCATTCAATATTTTTT, p.Tyr72fs (NM_001363743.2); c.457_458insTTTTTTTTTTTTTTTTTTTTNNNNNNNNNNCGTGTACTCGTGATCCTCCCGCCTCTGCCTCCCAAAGTGCTGGGATTACAGGCGTGAGCCACCGCGCCCGGCCTCATTCAATATTTTTT, p.Tyr153fs (NM_004315.6); short protein forms Y137fs, Y153fs, Y72fs, Y131fs.
Identifiers: ClinVar variation 1451339 (VCV001451339.6).

ClinVar aggregate classification (germline): Pathogenic (1 of 4 stars; one submission).

Submission:

Labcorp Genetics (formerly Invitae), Labcorp
Classification: Pathogenic. Last evaluated: 2021-10-04. Review status: criteria provided, single submitter. Criteria: Invitae Variant Classification Sherloc (09022015). Collection method: clinical testing. Allele origin: germline.
Comment: For these reasons, this variant has been classified as Pathogenic. Retrotransposon insertions including LINE1 (L1), Alu, and SVA (SINE-VNTR-Alu) have been reported to be disease-causing through disruption of either a coding region or splice site (PMID: 19763152, 20307669, 22406018) and loss-of-function variants in ASAH1 are known to be pathogenic (PMID: 24164096, 24355074). Algorithms developed to predict the effect of sequence changes on RNA splicing suggest that this variant may create or strengthen a splice site. This variant has not been reported in the literature in individuals affected with ASAH1-related conditions. This variant is not present in population databases (ExAC no frequency). This sequence change inserts a large fragment of DNA, likely a transposable element, in exon 6 of the ASAH1 gene (c.409_410ins?), causing a frameshift at codon 137 (p.Tyr137fs). The exact size and sequence of the insertion cannot be determined by the current assay. However, the insertion is expected to result in an absent or disrupted protein product.

Literature cited by the submitters: PubMed 19763152; PubMed 20307669; PubMed 22406018; PubMed 24164096; PubMed 24355074.